The following is an entry in ClinVar:

ClinVar aggregate classification (germline): Pathogenic (1 of 4 stars; one submission).

Conditions:
Hereditary angioedema type 1 (HAE1). Identifiers: Orphanet 100050, Orphanet 100051, Orphanet 91378, MedGen C2717906, MONDO:0015053, OMIM 106100.

Submission:

Institute of Human Genetics, University of Leipzig Medical Center
Classification: Pathogenic for Hereditary angioedema type 1. Last evaluated: 2026-07-27. Review status: criteria provided, single submitter. Criteria: ACMG Guidelines, 2015. Collection method: clinical testing. Allele origin: unknown. Inheritance: Autosomal dominant inheritance. Affected: yes.
Comment: Criteria applied: PVS1,PS4_MOD,PM2

NM_000062.3(SERPING1):c.329_341del (p.Pro110fs)

Gene: SERPING1 (serpin family G member 1; plus strand). Cytogenetic location: 11q12.1.
Variant type: Deletion.
Coding change: c.329_341del on transcript NM_000062.3 (MANE Select); coding-DNA positions 329 to 341, 13 bases deleted (CAACAGATTCTCC).
Protein change: p.Pro110fs; shifts the reading frame from proline 110.
Molecular consequence: frameshift variant.
Genome position (GRCh38, 1-based): chr11:57,600,156-57,600,168, CAACAGATTCTCC deleted; deleting any 13 consecutive bases within chr11:57,600,152-57,600,168 gives the same sequence; the c. name uses the placement nearest the transcript's 3' end. VCF-style (leftmost placement, unchanged base first): chr11-57600151-GCTCCCAACAGATT-G. GRCh37 (hg19) VCF-style: chr11-57367624-GCTCCCAACAGATT-G.
Other names: c.329_341del, p.Pro110fs (NM_001032295.2); short protein forms P110fs.
Identifiers: ClinVar variation 4291107 (VCV004291107.2).